The following is an entry in ClinVar:

NM_016592.5(GNAS):c.378G>C (p.Glu126Asp)

Genes: GNAS (GNAS complex locus; plus strand), GNAS-AS1 (GNAS antisense RNA 1; minus strand). Cytogenetic location: 20q13.32.
Variant type: single nucleotide variant.
Coding change: c.378G>C on transcript NM_016592.5 (MANE Plus Clinical); coding-DNA position 378, G replaced by C.
Protein change: p.Glu126Asp; replaces glutamic acid 126 with aspartic acid.
Molecular consequence: missense variant. On other transcripts: 5 prime UTR variant (1).
Genome position (GRCh38, 1-based): chr20:58,840,484, G>C. VCF-style: chr20-58840484-G-C. GRCh37 (hg19) VCF-style: chr20-57415539-G-C.
Other names: c.-360G>C (NM_001410912.1); short protein forms E126D.
Identifiers: ClinVar variation 4979902 (VCV004979902.1).

ClinVar aggregate classification (germline): Uncertain significance (1 of 4 stars; one submission).

Conditions:
GNAS-related disorder. Identifiers: MedGen CN380105.

gnomAD v4.1: 1 of 1,613,562 alleles (0.000062%); highest among the groups gnomAD compares: East Asian, 0.0022%; no homozygotes.

Submission:

PreventionGenetics, part of Exact Sciences
Classification: Uncertain significance for GNAS-related condition. Last evaluated: 2024-10-08. Review status: criteria provided, single submitter. Criteria: ACMG Guidelines, 2015. Collection method: clinical testing. Allele origin: germline.
Comment: The GNAS c.378G>C variant is predicted to result in the amino acid substitution p.Glu126Asp. To our knowledge, this variant has not been reported in the literature. This variant is also referred to as c.-51243G>C (pre-coding, NM_000516.7) in the primary transcript listed in the Human Gene Mutation Database (HGMD). This variant is reported in 0.0054% of alleles in individuals of East Asian descent in gnomAD. At this time, the clinical significance of this variant is uncertain due to the absence of conclusive functional and genetic evidence.